The following is an entry in ClinVar:

NM_199355.4(ADAMTS18):c.37G>A (p.Ala13Thr)

Gene: ADAMTS18 (ADAM metallopeptidase with thrombospondin type 1 motif 18; minus strand). Cytogenetic location: 16q23.1.
Variant type: single nucleotide variant.
Coding change: c.37G>A on transcript NM_199355.4 (MANE Select); coding-DNA position 37, G replaced by A.
Protein change: p.Ala13Thr; replaces alanine 13 with threonine.
Molecular consequence: missense variant. On other transcripts: 5 prime UTR variant (1).
Genome position (GRCh38, 1-based): chr16:77,434,659, C>T on the plus strand (G>A on the coding strand, the complement: ADAMTS18 is on the minus strand). VCF-style: chr16-77434659-C-T. GRCh37 (hg19) VCF-style: chr16-77468556-C-T.
Other names: c.-484G>A (NM_001326358.2); short protein forms A13T.
Identifiers: ClinVar variation 1395393 (VCV001395393.6), dbSNP rs751818903, ClinGen allele CA396851957.

ClinVar aggregate classification (germline): Uncertain significance (1 of 4 stars; one submission).

gnomAD v4.1: 3 of 1,479,430 alleles (0.0002%); highest among the groups gnomAD compares: Non-Finnish European, 0.00018%; no homozygotes.

Submission:

Labcorp Genetics (formerly Invitae), Labcorp
Classification: Uncertain significance. Last evaluated: 2021-11-27. Review status: criteria provided, single submitter. Criteria: Invitae Variant Classification Sherloc (09022015). Collection method: clinical testing. Allele origin: germline.
Comment: This variant is not present in population databases (gnomAD no frequency). In summary, the available evidence is currently insufficient to determine the role of this variant in disease. Therefore, it has been classified as a Variant of Uncertain Significance. Algorithms developed to predict the effect of missense changes on protein structure and function are either unavailable or do not agree on the potential impact of this missense change (SIFT: "Not Available"; PolyPhen-2: "Benign"; Align-GVGD: "Not Available"). This variant has not been reported in the literature in individuals affected with ADAMTS18-related conditions. This sequence change replaces alanine, which is neutral and non-polar, with threonine, which is neutral and polar, at codon 13 of the ADAMTS18 protein (p.Ala13Thr).